The following is an entry in ClinVar:

ClinVar aggregate classification (germline): Pathogenic (1 of 4 stars; one submission).

Conditions:
Hyperphosphatasia with impaired intellectual development syndrome 2. Also called: GLYCOSYLPHOSPHATIDYLINOSITOL BIOSYNTHESIS DEFECT 6; Hyperphosphatasia with intellectual disability syndrome 2. Identifiers: Orphanet 247262, MedGen C3553637, MONDO:0013882, OMIM 614749.

Allele frequency attached by ClinVar (database versions not stated): ExAC 0.00002.
gnomAD v4.1: 9 of 1,614,174 alleles (0.00056%); highest among the groups gnomAD compares: Non-Finnish European, 0.00076%; no homozygotes.

Submission:

Labcorp Genetics (formerly Invitae), Labcorp
Classification: Pathogenic for Hyperphosphatasia with impaired intellectual development syndrome 2. Last evaluated: 2023-12-21. Review status: criteria provided, single submitter. Criteria: Invitae Variant Classification Sherloc (09022015). Collection method: clinical testing. Allele origin: germline.
Comment: This sequence change creates a premature translational stop signal (p.Gln108*) in the PIGO gene. It is expected to result in an absent or disrupted protein product. Loss-of-function variants in PIGO are known to be pathogenic (PMID: 22683086, 24417746). This variant is present in population databases (rs759217806, gnomAD 0.006%). This variant has not been reported in the literature in individuals affected with PIGO-related conditions. For these reasons, this variant has been classified as Pathogenic.

Literature cited by the submitters: PubMed 22683086; PubMed 24417746.

NM_032634.4(PIGO):c.322C>T (p.Gln108Ter)

Gene: PIGO (phosphatidylinositol glycan anchor biosynthesis class O; minus strand). Cytogenetic location: 9p13.3.
Variant type: single nucleotide variant.
Coding change: c.322C>T on transcript NM_032634.4 (MANE Select); coding-DNA position 322, C replaced by T.
Protein change: p.Gln108Ter; replaces glutamine 108 with a stop codon.
Molecular consequence: nonsense.
Genome position (GRCh38, 1-based): chr9:35,095,244, G>A on the plus strand (C>T on the coding strand, the complement: PIGO is on the minus strand). VCF-style: chr9-35095244-G-A. GRCh37 (hg19) VCF-style: chr9-35095241-G-A.
Other names: c.322C>T, p.Gln108Ter (NM_001201484.2, NM_152850.4); short protein forms Q108*.
Identifiers: ClinVar variation 2957455 (VCV002957455.3), dbSNP rs759217806, ClinGen allele CA5040973.